The following is an entry in ClinVar:

ClinVar aggregate classification (germline): Uncertain significance. Review status: criteria provided, single submitter (1 of 4 stars). 2 submissions from 2 submitters: Uncertain significance (1). 1 of the submissions does not count toward it. Last evaluated 2026-02-20.

Conditions:
ADNP-related multiple congenital anomalies - intellectual disability - autism spectrum disorder. Also called: Helsmoortel-Van der Aa Syndrome; ADNP-Related Helsmoortel-Van der Aa Syndrome. Identifiers: Orphanet 404448, MedGen C4014538, MONDO:0014379, OMIM 615873. Disease mechanism: loss of function.

Allele frequency attached by ClinVar (database versions not stated): gnomAD exomes below 0.00001.
gnomAD v4.1: 1 of 1,613,324 alleles (0.000062%); highest among the groups gnomAD compares: Non-Finnish European, 0.000085%; no homozygotes.

Submissions (2):

GeneDx
Classification: Uncertain significance. Last evaluated: 2026-02-20. Review status: criteria provided, single submitter. Criteria: GeneDx Variant Classification Process June 2021. Collection method: clinical testing. Allele origin: germline.
Comment: In silico analysis supports that this missense variant has a deleterious effect on protein structure/function; Has not been previously published as pathogenic or benign to our knowledge

Centre de Biologie Pathologie Génétique, Centre Hospitalier Universitaire de Lille
Classification: Pathogenic for Helsmoortel-Van der Aa Syndrome. Last evaluated: 2019-01-01. Review status: no assertion criteria provided. Collection method: clinical testing. Allele origin: de novo. Affected: yes. Not counted in ClinVar's aggregate classification.

NM_001282531.3(ADNP):c.280C>T (p.Arg94Cys)

Gene: ADNP (activity dependent neuroprotector homeobox; minus strand). Cytogenetic location: 20q13.13.
Variant type: single nucleotide variant.
Coding change: c.280C>T on transcript NM_001282531.3 (MANE Select); coding-DNA position 280, C replaced by T.
Protein change: p.Arg94Cys; replaces arginine 94 with cysteine.
Molecular consequence: missense variant.
Genome position (GRCh38, 1-based): chr20:50,894,434, G>A on the plus strand (C>T on the coding strand, the complement: ADNP is on the minus strand). VCF-style: chr20-50894434-G-A. GRCh37 (hg19) VCF-style: chr20-49510971-G-A.
Other names: c.280C>T, p.Arg94Cys (NM_001282532.2, NM_001347511.2, NM_015339.5 and 1 more transcripts); c.280C>T (NM_015339.2); short protein forms R94C.
Identifiers: ClinVar variation 975321 (VCV000975321.3), dbSNP rs1186714720, ClinGen allele CA408979595.